The following is an entry in ClinVar:

ClinVar aggregate classification (germline): Uncertain significance (1 of 4 stars; one submission).

Allele frequency attached by ClinVar (database versions not stated): ESP Exome Variant Server 0.00008.
gnomAD v4.1: 54 of 1,613,684 alleles (0.0033%); highest among the groups gnomAD compares: Admixed American, 0.023%; no homozygotes.

Submission:

Labcorp Genetics (formerly Invitae), Labcorp
Classification: Uncertain significance. Last evaluated: 2026-01-28. Review status: criteria provided, single submitter. Criteria: Invitae Variant Classification Sherloc (09022015). Collection method: clinical testing. Allele origin: germline.
Comment: This sequence change replaces alanine, which is neutral and non-polar, with valine, which is neutral and non-polar, at codon 1170 of the MYH3 protein (p.Ala1170Val). This variant is present in population databases (rs373367650, gnomAD 0.02%). This variant has not been reported in the literature in individuals affected with MYH3-related conditions. ClinVar contains an entry for this variant (Variation ID: 1927712). Invitae Evidence Modeling of protein sequence and biophysical properties (such as structural, functional, and spatial information, amino acid conservation, physicochemical variation, residue mobility, and thermodynamic stability) indicates that this missense variant is not expected to disrupt MYH3 protein function with a negative predictive value of 95%. In summary, the available evidence is currently insufficient to determine the role of this variant in disease. Therefore, it has been classified as a Variant of Uncertain Significance.

NM_002470.4(MYH3):c.3509C>T (p.Ala1170Val)

Gene: MYH3 (myosin heavy chain 3; minus strand). Cytogenetic location: 17p13.1.
Variant type: single nucleotide variant.
Coding change: c.3509C>T on transcript NM_002470.4 (MANE Select); coding-DNA position 3509, C replaced by T.
Protein change: p.Ala1170Val; replaces alanine 1170 with valine.
Molecular consequence: missense variant.
Genome position (GRCh38, 1-based): chr17:10,638,263, G>A on the plus strand (C>T on the coding strand, the complement: MYH3 is on the minus strand). VCF-style: chr17-10638263-G-A. GRCh37 (hg19) VCF-style: chr17-10541580-G-A.
Other names: short protein forms A1170V.
Identifiers: ClinVar variation 1927712 (VCV001927712.5), dbSNP rs373367650, ClinGen allele CA8392492.
Genomic context (GRCh38, chr17:10,638,263, plus strand): 5'-ACCATGGCTTCGTGCTGCAGTGTGGCCTCCTCCAGGTCCCTGCGCAGCTTCAGGAACTCC[G>A]CCTCCCGCTTCTTGTTGAGCTCTATCTGCGTGGAGGTGACGCCTCCCGCCTCCTCCAGCC-3'
Protein context (NP_002461.2, residues 1160-1180): TQIELNKKRE[Ala1170Val]EFLKLRRDLE